The following is an entry in ClinVar:

NM_030665.4(RAI1):c.2T>C (p.Met1Thr)

Gene: RAI1 (retinoic acid induced 1; plus strand). Cytogenetic location: 17p11.2.
Variant type: single nucleotide variant.
Coding change: c.2T>C on transcript NM_030665.4 (MANE Select); coding-DNA position 2, T replaced by C.
Protein change: p.Met1Thr; changes the start codon (methionine 1).
Molecular consequence: missense variant, initiator codon variant.
Genome position (GRCh38, 1-based): chr17:17,792,950, T>C. VCF-style: chr17-17792950-T-C. GRCh37 (hg19) VCF-style: chr17-17696264-T-C.
Other names: short protein forms M1T.
Identifiers: ClinVar variation 4727926 (VCV004727926.1).

ClinVar aggregate classification (germline): Uncertain significance (1 of 4 stars; one submission).

Submission:

Labcorp Genetics (formerly Invitae), Labcorp
Classification: Uncertain significance. Last evaluated: 2025-09-27. Review status: criteria provided, single submitter. Criteria: Invitae Variant Classification Sherloc (09022015). Collection method: clinical testing. Allele origin: germline.
Comment: This sequence change affects the initiator codon of the RAI1 mRNA. This change may impact translation initiation or efficiency. The next in-frame methionine is located at codon 146. This variant is not present in population databases (gnomAD no frequency). This variant has not been reported in the literature in individuals affected with RAI1-related conditions. Experimental studies and prediction algorithms are not available or were not evaluated, and the functional significance of this variant is currently unknown. In summary, the available evidence is currently insufficient to determine the role of this variant in disease. Therefore, it has been classified as a Variant of Uncertain Significance.